The following is an entry in ClinVar:

ClinVar aggregate classification (germline): Likely pathogenic (1 of 4 stars; one submission).

Conditions:
Ellis-van Creveld syndrome (EVC). Also called: EVC-Related Ellis-van Creveld Syndrome; EVC2-Related Ellis-van Creveld Syndrome; MESOECTODERMAL DYSPLASIA; Chondroectodermal dysplasia. Identifiers: Orphanet 289, MedGen C0013903, MONDO:0009162, OMIM 225500.

Submission:

Myriad Genetics, Inc.
Classification: Likely pathogenic for Ellis-van Creveld syndrome. Last evaluated: 2022-02-25. Review status: criteria provided, single submitter. Criteria: Myriad Women's Health Autosomal Recessive and X-Linked Classification Criteria (2021). Collection method: clinical testing. Allele origin: unknown.
Comment: NM_147127.4(EVC2):c.1552del1ins8(Q518Efs*21) is expected to be pathogenic in the context of EVC2-related Ellis-van Creveld syndrome. This variant is predicted to lead to an abnormal or absent protein product due to the creation of a premature termination codon in EVC2, a gene where loss-of-function variants are known to be pathogenic. Please note: this variant was assessed in the context of healthy population screening.

NM_147127.5(EVC2):c.1552delinsGAGACAGT (p.Gln518fs)

Gene: EVC2 (EvC ciliary complex subunit 2; minus strand). Cytogenetic location: 4p16.2.
Variant type: Indel.
Coding change: c.1552delinsGAGACAGT on transcript NM_147127.5 (MANE Select); coding-DNA position 1552, C replaced by GAGACAGT.
Protein change: p.Gln518fs; shifts the reading frame from glutamine 518.
Molecular consequence: frameshift variant.
Genome position (GRCh38, 1-based): chr4:5,631,951, G replaced by ACTGTCTC on the plus strand (C replaced by GAGACAGT on the coding strand, the reverse complement: EVC2 is on the minus strand). VCF-style: chr4-5631951-G-ACTGTCTC. GRCh37 (hg19) VCF-style: chr4-5633678-G-ACTGTCTC.
Other names: c.1312delinsGAGACAGT, p.Gln438fs (NM_001166136.2); short protein forms Q438fs, Q518fs.
Identifiers: ClinVar variation 1724721 (VCV001724721.2), dbSNP rs2475407458, ClinGen allele CA2580070766.